The following is an entry in ClinVar:

NM_024675.4(PALB2):c.2990A>T (p.Asp997Val)

Gene: PALB2 (partner and localizer of BRCA2; minus strand). Cytogenetic location: 16p12.2.
Variant type: single nucleotide variant.
Coding change: c.2990A>T on transcript NM_024675.4 (MANE Select); coding-DNA position 2990, A replaced by T.
Protein change: p.Asp997Val; replaces aspartic acid 997 with valine.
Molecular consequence: missense variant.
Genome position (GRCh38, 1-based): chr16:23,622,975, T>A on the plus strand (A>T on the coding strand, the complement: PALB2 is on the minus strand). VCF-style: chr16-23622975-T-A. GRCh37 (hg19) VCF-style: chr16-23634296-T-A.
Other names: c.2930A>T, p.Asp977Val (NM_001407296.1); c.2918A>T, p.Asp973Val (NM_001407297.1); c.2828A>T, p.Asp943Val (NM_001407298.1, NM_001407302.1); c.2990A>T, p.Asp997Val (NM_001407299.1, NM_001407301.1); c.2105A>T, p.Asp702Val (NM_001407304.1, NM_001407305.1, NM_001407306.1 and 4 more transcripts); c.1943A>T, p.Asp648Val (NM_001407307.1); c.1202A>T, p.Asp401Val (NM_001407312.1, NM_001407313.1); c.524A>T, p.Asp175Val (NM_001407314.1); short protein forms D175V, D702V, D973V, D997V, D401V, D943V, D648V, D977V.
Identifiers: ClinVar variation 1950749 (VCV001950749.5), dbSNP rs1567213572, ClinGen allele CA395143853.

ClinVar aggregate classification (germline): Uncertain significance (1 of 4 stars; one submission).

Conditions:
Familial cancer of breast. Also called: BREAST CANCER, FAMILIAL; Hereditary breast cancer; hereditary breast carcinoma. Identifiers: Orphanet 227535, MedGen C0346153, MONDO:0016419, OMIM 114480. Disease mechanism: loss of function.

Submission:

Labcorp Genetics (formerly Invitae), Labcorp
Classification: Uncertain significance for Familial cancer of breast. Last evaluated: 2022-03-26. Review status: criteria provided, single submitter. Criteria: Invitae Variant Classification Sherloc (09022015). Collection method: clinical testing. Allele origin: germline.
Comment: In summary, the available evidence is currently insufficient to determine the role of this variant in disease. Therefore, it has been classified as a Variant of Uncertain Significance. Algorithms developed to predict the effect of missense changes on protein structure and function are either unavailable or do not agree on the potential impact of this missense change (SIFT: "Tolerated"; PolyPhen-2: "Possibly Damaging"; Align-GVGD: "Class C0"). This variant has not been reported in the literature in individuals affected with PALB2-related conditions. This variant is not present in population databases (gnomAD no frequency). This sequence change replaces aspartic acid, which is acidic and polar, with valine, which is neutral and non-polar, at codon 997 of the PALB2 protein (p.Asp997Val).